The following is an entry in ClinVar:

ClinVar aggregate classification (germline): Conflicting classifications of pathogenicity. Review status: criteria provided, conflicting classifications (1 of 4 stars). 2 submissions from 2 submitters: Uncertain significance (1); Likely benign (1). Last evaluated 2024-10-29.

Submissions (2):

Blueprint Genetics
Classification: Likely benign. Last evaluated: 2024-10-29. Review status: criteria provided, single submitter. Criteria: ACMG Guidelines, 2015. Collection method: clinical testing. Allele origin: germline.

Labcorp Genetics (formerly Invitae), Labcorp
Classification: Uncertain significance. Last evaluated: 2021-10-29. Review status: criteria provided, single submitter. Criteria: Invitae Variant Classification Sherloc (09022015). Collection method: clinical testing. Allele origin: germline.
Comment: This sequence change falls in intron 2 of the ENPP1 gene. It does not directly change the encoded amino acid sequence of the ENPP1 protein. This variant is not present in population databases (gnomAD no frequency). In summary, the available evidence is currently insufficient to determine the role of this variant in disease. Therefore, it has been classified as a Variant of Uncertain Significance. Algorithms developed to predict the effect of sequence changes on RNA splicing suggest that this variant may create or strengthen a splice site. This variant has not been reported in the literature in individuals affected with ENPP1-related conditions.

NM_006208.3(ENPP1):c.313+9GT[23]

Gene: ENPP1 (ectonucleotide pyrophosphatase/phosphodiesterase 1; plus strand). Cytogenetic location: 6q23.2.
Variant type: Microsatellite.
Coding change: c.313+9GT[23] on transcript NM_006208.3 (MANE Select); 23 copies in a row of the 2-base unit GT starting at c.313+9; the reference has 19 copies in a row; four copies, 8 bases duplicated.
Molecular consequence: intron variant.
Genome position (GRCh38, 1-based): chr6:131,847,887-131,847,894, GTGTGTGT duplicated; duplicating any 8 consecutive bases within chr6:131,847,857-131,847,894 gives the same sequence; the position shown is the placement nearest the transcript's 3' end. VCF-style (leftmost placement, unchanged base first): chr6-131847856-G-GGTGTGTGT. GRCh37 (hg19) VCF-style: chr6-132168996-G-GGTGTGTGT.
Identifiers: ClinVar variation 1403298 (VCV001403298.7), dbSNP rs59956343, ClinGen allele CA819059718.
Genomic context (GRCh38, chr6:131,847,856, plus strand): 5'-AACAACAATACTTGGTTGTATATTTGGGTTGAAACCAAGCTGTGCCAAAGAAGGTAATTA[G>GGTGTGTGT]GTGTGTGTGTGTGTGTGTGTGTGTGTGTGTGTGTGTGTATGTGTGTGCACAGCCTTATTA-3'